The following is an entry in ClinVar:

NM_001130438.3(SPTAN1):c.2778+18G>A

Gene: SPTAN1 (spectrin alpha, non-erythrocytic 1; plus strand). Cytogenetic location: 9q34.11.
Variant type: single nucleotide variant.
Coding change: c.2778+18G>A on transcript NM_001130438.3 (MANE Select); 18 bases into the intron after coding-DNA position 2778, G replaced by A.
Molecular consequence: intron variant.
Genome position (GRCh38, 1-based): chr9:128,585,983, G>A. VCF-style: chr9-128585983-G-A. GRCh37 (hg19) VCF-style: chr9-131348262-G-A.
Other names: c.2778+18G>A (NM_001363759.2, NM_003127.4, NM_001363765.2 and 1 more transcripts).
Identifiers: ClinVar variation 139280 (VCV000139280.9), dbSNP rs372896131, ClinGen allele CA293723.

ClinVar aggregate classification (germline): Benign/Likely benign. Review status: criteria provided, multiple submitters, no conflicts (2 of 4 stars). 2 submissions from 2 submitters: Benign (1); Likely benign (1). Last evaluated 2025-08-18.

Conditions:
Early-infantile DEE. Also called: Early infantile epileptic encephalopathy with suppression bursts; Ohtahara syndrome; Early infantile epileptic encephalopathy. Identifiers: Orphanet 1934, MedGen C0393706, MONDO:0800491.

Allele frequency attached by ClinVar (database versions not stated): gnomAD exomes 0.00002 and 0.00006; ExAC 0.00008; gnomAD 0.00021 and 0.00024; TOPMed 0.00028; ESP Exome Variant Server 0.00046.
gnomAD v4.1: 55 of 1,611,068 alleles (0.0034%); highest among the groups gnomAD compares: African/African-American, 0.071%; no homozygotes.

Submissions (2):

Labcorp Genetics (formerly Invitae), Labcorp
Classification: Likely benign for Early-infantile DEE. Last evaluated: 2025-08-18. Review status: criteria provided, single submitter. Criteria: Invitae Variant Classification Sherloc (09022015). Collection method: clinical testing. Allele origin: germline.

GeneDx
Classification: Benign. Last evaluated: 2013-09-06. Review status: criteria provided, single submitter. Criteria: GeneDx Variant Classification (06012015). Collection method: clinical testing. Allele origin: germline. Affected: yes.
Comment: This variant is considered likely benign or benign based on one or more of the following criteria: it is a conservative change, it occurs at a poorly conserved position in the protein, it is predicted to be benign by multiple in silico algorithms, and/or has population frequency not consistent with disease.